The following is an entry in ClinVar:

NM_000051.4(ATM):c.2195T>C (p.Met732Thr)

Gene: ATM (ATM serine/threonine kinase; plus strand). Cytogenetic location: 11q22.3.
Variant type: single nucleotide variant.
Coding change: c.2195T>C on transcript NM_000051.4 (MANE Select); coding-DNA position 2195, T replaced by C.
Protein change: p.Met732Thr; replaces methionine 732 with threonine.
Molecular consequence: missense variant.
Genome position (GRCh38, 1-based): chr11:108,256,285, T>C. VCF-style: chr11-108256285-T-C. GRCh37 (hg19) VCF-style: chr11-108127012-T-C.
Other names: c.2195T>C, p.Met732Thr (NM_001351834.2); short protein forms M732T.
Identifiers: ClinVar variation 2005257 (VCV002005257.5), dbSNP rs2497359138, ClinGen allele CA382538947.
Genomic context (GRCh38, chr11:108,256,285, plus strand): 5'-CAGAAACTCTTGTCCGGTGTTCACGTCTTTTGGTGGGTGTCCTTGGCTGCTACTGTTACA[T>C]GGGTGTAATAGCTGAAGAGGAAGCATATAAGTCAGAATTATTCCAGAAAGCCAAGGTAGG-3'
Protein context (NP_000042.3, residues 722-742): LVGVLGCYCY[Met732Thr]GVIAEEEAYK

ClinVar aggregate classification (germline): Uncertain significance. Review status: criteria provided, multiple submitters, no conflicts (2 of 4 stars). 2 submissions from 2 submitters: Uncertain significance (2). Last evaluated 2025-09-10.

Conditions:
Ataxia-telangiectasia syndrome (AT). Also called: Ataxia-telangiectasia, complementation group E; Ataxia-telangiectasia; ATAXIA-TELANGIECTASIA, COMPLEMENTATION GROUP A; Ataxia-telangiectasia, complementation group D; Ataxia telangiectasia (A-T); LOUIS-BAR SYNDROME. Identifiers: Orphanet 100, MedGen C0004135, MONDO:0008840, OMIM 208900.
Familial cancer of breast. Also called: BREAST CANCER, FAMILIAL; Hereditary breast cancer; hereditary breast carcinoma. Identifiers: Orphanet 227535, MedGen C0346153, MONDO:0016419, OMIM 114480. Disease mechanism: loss of function.

Submissions (2):

Labcorp Genetics (formerly Invitae), Labcorp
Classification: Uncertain significance for Ataxia-telangiectasia syndrome. Last evaluated: 2025-09-10. Review status: criteria provided, single submitter. Criteria: Invitae Variant Classification Sherloc (09022015). Collection method: clinical testing. Allele origin: germline.
Comment: This sequence change replaces methionine, which is neutral and non-polar, with threonine, which is neutral and polar, at codon 732 of the ATM protein (p.Met732Thr). This variant is not present in population databases (gnomAD no frequency). This variant has not been reported in the literature in individuals affected with ATM-related conditions. ClinVar contains an entry for this variant (Variation ID: 2005257). Invitae Evidence Modeling of protein sequence and biophysical properties (such as structural, functional, and spatial information, amino acid conservation, physicochemical variation, residue mobility, and thermodynamic stability) indicates that this missense variant is not expected to disrupt ATM protein function with a negative predictive value of 95%. In summary, the available evidence is currently insufficient to determine the role of this variant in disease. Therefore, it has been classified as a Variant of Uncertain Significance.

Baylor Genetics
Classification: Uncertain significance for Familial cancer of breast. Last evaluated: 2023-12-19. Review status: criteria provided, single submitter. Criteria: ACMG Guidelines, 2015. Collection method: clinical testing. Allele origin: unknown.